The following is an entry in ClinVar:

NM_144991.3(TSPEAR):c.1912A>G (p.Arg638Gly)

Gene: TSPEAR (thrombospondin type laminin G domain and EAR repeats; minus strand). Cytogenetic location: 21q22.3.
Variant type: single nucleotide variant.
Coding change: c.1912A>G on transcript NM_144991.3 (MANE Select); coding-DNA position 1912, A replaced by G.
Protein change: p.Arg638Gly; replaces arginine 638 with glycine.
Molecular consequence: missense variant.
Genome position (GRCh38, 1-based): chr21:44,499,881, T>C on the plus strand (A>G on the coding strand, the complement: TSPEAR is on the minus strand). VCF-style: chr21-44499881-T-C. GRCh37 (hg19) VCF-style: chr21-45919764-T-C.
Other names: c.1708A>G, p.Arg570Gly (NM_001272037.2); short protein forms R570G, R638G.
Identifiers: ClinVar variation 4685174 (VCV004685174.1).

ClinVar aggregate classification (germline): Uncertain significance (1 of 4 stars; one submission).

gnomAD v4.1: 13 of 1,606,806 alleles (0.00081%); highest among the groups gnomAD compares: Non-Finnish European, 0.0011%; no homozygotes.

Submission:

GeneDx
Classification: Uncertain significance. Last evaluated: 2025-07-08. Review status: criteria provided, single submitter. Criteria: GeneDx Variant Classification Process June 2021. Collection method: clinical testing. Allele origin: germline. Affected: yes.
Comment: Not observed at significant frequency in large population cohorts (gnomAD); In silico analysis supports that this missense variant has a deleterious effect on protein structure/function; Has not been previously published as pathogenic or benign to our knowledge